The following is an entry in ClinVar:

NM_015631.6(TCTN3):c.1562G>C (p.Arg521Pro)

Gene: TCTN3 (tectonic family member 3; minus strand). Cytogenetic location: 10q24.1.
Variant type: single nucleotide variant.
Coding change: c.1562G>C on transcript NM_015631.6 (MANE Select); coding-DNA position 1562, G replaced by C.
Protein change: p.Arg521Pro; replaces arginine 521 with proline.
Molecular consequence: missense variant.
Genome position (GRCh38, 1-based): chr10:95,680,500, C>G on the plus strand (G>C on the coding strand, the complement: TCTN3 is on the minus strand). VCF-style: chr10-95680500-C-G. GRCh37 (hg19) VCF-style: chr10-97440257-C-G.
Other names: c.1562G>C (NM_015631.5); c.1118G>C, p.Arg373Pro (NM_001143973.2); short protein forms R373P, R521P.
Identifiers: ClinVar variation 1430981 (VCV001430981.5), dbSNP rs765803620, ClinGen allele CA5620795.
Genomic context (GRCh38, chr10:95,680,500, plus strand): 5'-GGTTTAGTGATCCTTTATGAGCCATGACTTACCTGTATAGACTGGCACTGGTATAGGAAT[C>G]GAACTCCTGATACATGAGCTTGCGGGTTGGACAGGAGACCTACATATGCCCACAATACCT-3'
Protein context (NP_056446.4, residues 511-531): SNPQAHVSGV[Arg521Pro]FLYQCQSIQD

ClinVar aggregate classification (germline): Uncertain significance. Review status: criteria provided, multiple submitters, no conflicts (2 of 4 stars). 2 submissions from 2 submitters: Uncertain significance (2). Last evaluated 2023-08-10.

Conditions:
Joubert syndrome 18 (JBTS18). Identifiers: Orphanet 2754, MedGen C3553758, MONDO:0013896, OMIM 614815.
Orofacial-digital syndrome IV (OFD4). Also called: Orofaciodigital syndrome IV; BARAITSER-BURN SYNDROME; MOHR-MAJEWSKI SYNDROME; OFD SYNDROME WITH TIBIAL DEFECTS; OFD SYNDROME, BARAITSER-BURN TYPE; OFDS IV. Identifiers: Orphanet 2753, MedGen C0406727, MONDO:0009794, OMIM 258860.
Inborn genetic diseases. Identifiers: MedGen C0950123, MeSH D030342.

gnomAD v4.1: 17 of 1,613,930 alleles (0.0011%); highest among the groups gnomAD compares: Admixed American, 0.025%; no homozygotes.

Submissions (2):

Labcorp Genetics (formerly Invitae), Labcorp
Classification: Uncertain significance for Joubert syndrome 18; Orofacial-digital syndrome IV. Last evaluated: 2023-08-10. Review status: criteria provided, single submitter. Criteria: Invitae Variant Classification Sherloc (09022015). Collection method: clinical testing. Allele origin: germline.
Comment: This sequence change replaces arginine, which is basic and polar, with proline, which is neutral and non-polar, at codon 521 of the TCTN3 protein (p.Arg521Pro). This variant is present in population databases (rs765803620, gnomAD 0.04%). This variant has not been reported in the literature in individuals affected with TCTN3-related conditions. ClinVar contains an entry for this variant (Variation ID: 1430981). Advanced modeling of protein sequence and biophysical properties (such as structural, functional, and spatial information, amino acid conservation, physicochemical variation, residue mobility, and thermodynamic stability) performed at Invitae indicates that this missense variant is expected to disrupt TCTN3 protein function. In summary, the available evidence is currently insufficient to determine the role of this variant in disease. Therefore, it has been classified as a Variant of Uncertain Significance.

Ambry Genetics
Classification: Uncertain significance for Inborn genetic diseases. Last evaluated: 2022-01-04. Review status: criteria provided, single submitter. Criteria: Ambry Variant Classification Scheme 2023. Collection method: clinical testing. Allele origin: germline.